The following is an entry in ClinVar:

NM_001005273.3(CHD3):c.1598A>T (p.Asn533Ile)

Gene: CHD3 (chromodomain helicase DNA binding protein 3; plus strand). Cytogenetic location: 17p13.1.
Variant type: single nucleotide variant.
Coding change: c.1598A>T on transcript NM_001005273.3 (MANE Select); coding-DNA position 1598, A replaced by T.
Protein change: p.Asn533Ile; replaces asparagine 533 with isoleucine.
Molecular consequence: missense variant.
Genome position (GRCh38, 1-based): chr17:7,895,433, A>T. VCF-style: chr17-7895433-A-T. GRCh37 (hg19) VCF-style: chr17-7798751-A-T.
Other names: c.1775A>T, p.Asn592Ile (NM_001005271.3); c.1598A>T, p.Asn533Ile (NM_005852.4); short protein forms N533I, N592I.
Identifiers: ClinVar variation 1712539 (VCV001712539.3), dbSNP rs2544841860, ClinGen allele CA397933945.

ClinVar aggregate classification (germline): Uncertain significance (1 of 4 stars; one submission).

Submission:

GeneDx
Classification: Uncertain significance. Last evaluated: 2025-06-18. Review status: criteria provided, single submitter. Criteria: GeneDx Variant Classification Process June 2021. Collection method: clinical testing. Allele origin: germline.
Comment: Not observed at significant frequency in large population cohorts (gnomAD); In silico analysis supports that this missense variant has a deleterious effect on protein structure/function; Has not been previously published as pathogenic or benign to our knowledge